The following is an entry in ClinVar:

NM_022369.3(STRA6):c.-5200G>A

Genes: CCDC33 (coiled-coil domain containing 33; plus strand), STRA6 (signaling receptor and transporter of retinol STRA6; minus strand). Cytogenetic location: 15q24.1.
Variant type: single nucleotide variant.
Coding change: c.-5200G>A on transcript NM_022369.3; 5200 bases upstream of the start codon, G replaced by A.
Molecular consequence: 5 prime UTR variant (on NM_001199041.2). On other transcripts: intron variant (5).
Genome position (GRCh38, 1-based): chr15:74,207,897, C>T on the plus strand (G>A on the coding strand, the complement: STRA6 is on the minus strand). VCF-style: chr15-74207897-C-T. GRCh37 (hg19) VCF-style: chr15-74500238-C-T.
Other names: c.-171G>A (NM_001199041.2); c.-16+4230G>A (NM_001437994.1); c.96+1462G>A (NM_001199040.2); c.-16+903G>A (NM_001142619.2, NM_001142617.2, NM_001142620.2).
Identifiers: ClinVar variation 675104 (VCV000675104.4), dbSNP rs10152959, ClinGen allele CA14086377.

ClinVar aggregate classification (germline): Benign. Review status: criteria provided, multiple submitters, no conflicts (2 of 4 stars). 2 submissions from 2 submitters: Benign (2). Last evaluated 2018-06-19.

Allele frequency attached by ClinVar (database versions not stated): gnomAD exomes 0.24815; 1000 Genomes Project 30x 0.22158; gnomAD 0.22289 and 0.22066; 1000 Genomes Project 0.22604; TOPMed 0.22034.
gnomAD v4.1: 365,058 of 1,489,078 alleles (25%); highest among the groups gnomAD compares: East Asian, 30%; 45,878 homozygotes.

Submissions (2):

GeneDx
Classification: Benign. Last evaluated: 2018-06-19. Review status: criteria provided, single submitter. Criteria: GeneDx Variant Classification (06012015). Collection method: clinical testing. Allele origin: germline. Affected: yes.
Comment: This variant is considered likely benign or benign based on one or more of the following criteria: it is a conservative change, it occurs at a poorly conserved position in the protein, it is predicted to be benign by multiple in silico algorithms, and/or has population frequency not consistent with disease.

Breakthrough Genomics
Classification: Benign. Review status: criteria provided, single submitter. Criteria: ACMG Guidelines, 2015. Collection method: not provided. Allele origin: germline. Inheritance: Autosomal recessive inheritance. Affected: yes.